The following is an entry in ClinVar:

NM_001709.5(BDNF):c.280G>A (p.Val94Met)

Genes: BDNF (brain derived neurotrophic factor; minus strand), BDNF-AS (BDNF antisense RNA; plus strand). Cytogenetic location: 11p14.1.
Variant type: single nucleotide variant.
Coding change: c.280G>A on transcript NM_001709.5 (MANE Select); coding-DNA position 280, G replaced by A.
Protein change: p.Val94Met; replaces valine 94 with methionine.
Molecular consequence: missense variant. On other transcripts: non-coding transcript variant (5).
Genome position (GRCh38, 1-based): chr11:27,658,285, C>T on the plus strand (G>A on the coding strand, the complement: BDNF is on the minus strand). VCF-style: chr11-27658285-C-T. GRCh37 (hg19) VCF-style: chr11-27679832-C-T.
Other names: c.280G>A, p.Val94Met (NM_001143805.1, NM_001143806.1, NM_001143807.2 and 9 more transcripts); c.367G>A, p.Val123Met (NM_001143809.2); c.526G>A, p.Val176Met (NM_001143810.2); c.304G>A, p.Val102Met (NM_170731.5); c.325G>A, p.Val109Met (NM_170734.4); short protein forms V102M, V109M, V123M, V176M, V94M.
Identifiers: ClinVar variation 3350614 (VCV003350614.1).

ClinVar aggregate classification (germline): Uncertain significance (0 of 4 stars; one submission).

Conditions:
BDNF-related disorder. Also called: BDNF-related condition.

gnomAD v4.1: 29 of 1,613,942 alleles (0.0018%); highest among the groups gnomAD compares: Non-Finnish European, 0.0025%; no homozygotes.

Submission:

PreventionGenetics, part of Exact Sciences
Classification: Uncertain significance for BDNF-related condition. Last evaluated: 2024-06-25. Review status: no assertion criteria provided. Collection method: clinical testing. Allele origin: germline.
Comment: The BDNF c.526G>A variant is predicted to result in the amino acid substitution p.Val176Met. To our knowledge, this variant has not been reported in the literature. This variant is reported in 0.00089% of alleles in individuals of European (Non-Finnish) descent in gnomAD. At this time, the clinical significance of this variant is uncertain due to the absence of conclusive functional and genetic evidence.